The following is an entry in ClinVar:

NM_213653.4(HJV):c.516C>G (p.Asp172Glu)

Gene: HJV (hemojuvelin BMP co-receptor; minus strand). Cytogenetic location: 1q21.1.
Variant type: single nucleotide variant.
Coding change: c.516C>G on transcript NM_213653.4 (MANE Select); coding-DNA position 516, C replaced by G.
Protein change: p.Asp172Glu; replaces aspartic acid 172 with glutamic acid.
Molecular consequence: missense variant. On other transcripts: intron variant (3).
Genome position (GRCh38, 1-based): chr1:146,019,316, G>C on the plus strand (C>G on the coding strand, the complement: HJV is on the minus strand). VCF-style: chr1-146019316-G-C. GRCh37 (hg19) VCF-style: chr1-145415697-C-G.
Other names: c.516C>G, p.Asp172Glu (NM_001379352.1); c.177C>G, p.Asp59Glu (NM_145277.5); c.-21-616C>G (NM_213652.4); c.-22+382C>G (NM_202004.4, NM_001316767.2); c.516C>G (NM_213653.3); short protein forms D172E, D59E.
Identifiers: ClinVar variation 3629998 (VCV003629998.2).
Genomic context (GRCh38, chr1:146,019,316, plus strand): 5'-AGGCCAAGCTCCTTGGACACGGCATGTGTGAAAGTGATGGTGGAAGCTGCGCACATGGGG[G>C]TCCCCGAAGGAAGCGCAATGCAAGAACCCCGGGGGACGACCATGCAGCCGGGAAAACCGG-3'
Protein context (NP_998818.1, residues 162-182): PGFLHCASFG[Asp172Glu]PHVRSFHHHF

ClinVar aggregate classification (germline): Likely pathogenic. Review status: criteria provided, multiple submitters, no conflicts (2 of 4 stars). 2 submissions from 2 submitters: Likely pathogenic (2). Last evaluated 2025-08-26.

Conditions:
Hemochromatosis type 2A (HFE2A). Also called: HJV (HFE2)-Related Juvenile Hemochromatosis; Adult-Onset Hemochromatosis. Identifiers: Orphanet 79230, MedGen C1865614, MONDO:0011216, OMIM 602390.

Submissions (2):

Natera, Inc.
Classification: Likely pathogenic for Hemochromatosis type 2A. Last evaluated: 2025-08-26. Review status: criteria provided, single submitter. Criteria: Natera Variant Classification Schema (03/2026). Collection method: clinical testing. Allele origin: germline.
Comment: The c.516C>G variant in HJV is a missense variant predicted to cause substitution of aspartic acid to glutamic acid at amino acid 172. This variant is rare in the general population with a frequency below the threshold expected for the associated phenotype(s). This variant has been observed in one or more individuals affected with the associated recessive disease, as either homozygous or compound heterozygous with a second variant (PMID: 14982873). Functional studies show that this variant may disrupt protein function (PMID: 18827264). Computational prediction algorithms indicate this variant is likely to affect gene or protein function. Given the available evidence, this variant is classified as Likely Pathogenic.

Women's Health and Genetics/Laboratory Corporation of America, LabCorp
Classification: Likely pathogenic for Hemochromatosis type 2A. Last evaluated: 2024-11-19. Review status: criteria provided, single submitter. Criteria: LabCorp Variant Classification Summary - May 2015. Collection method: clinical testing. Allele origin: germline.
Comment: Variant summary: HJV c.516C>G (p.Asp172Glu) results in a conservative amino acid change located in the Repulsive guidance molecule, N-terminal domain (IPR010536), affecting the autoproteolysis consensus sequence of the encoded protein (Pagani_2008). Three of four in-silico tools predict a damaging effect of the variant on protein function. The variant allele was found at a frequency of 4.1e-06 in 245806 control chromosomes (gnomAD). The variant, c.516C>G, has been reported in the literature in at least one compound heterozygous individual affected with Hemochromatosis Type 2A (Lanzara_2004), who carried a (likely) pathogenic second variant. Publications also reported experimental evidence evaluating an impact on protein function, and demonstrated reduced plasma membrane expression, decreased interaction with the ligand (BMP-2), and almost completely absent hepcidin activatation (e.g.Kuns-Hashimoto_2008, Pagani_2008). The following publications have been ascertained in the context of this evaluation (PMID: 14982873, 18287331, 18827264). No submitters have cited clinical-significance assessments for this variant to ClinVar. Based on the evidence outlined above, the variant was classified as likely pathogenic.

Literature cited by the submitters: PubMed 14982873 (cited by Natera, Inc. and Women's Health and Genetics/Laboratory Corporation of America, LabCorp); PubMed 18827264 (cited by Natera, Inc. and Women's Health and Genetics/Laboratory Corporation of America, LabCorp); PubMed 18287331 (cited by Women's Health and Genetics/Laboratory Corporation of America, LabCorp).